The following is an entry in ClinVar:

NM_152383.5(DIS3L2):c.1610_1617delinsG (p.Lys537fs)

Gene: DIS3L2 (DIS3 like 3'-5' exoribonuclease 2; plus strand). Cytogenetic location: 2q37.1.
Variant type: Indel.
Coding change: c.1610_1617delinsG on transcript NM_152383.5 (MANE Select); coding-DNA positions 1610 to 1617, AGCAGTTA replaced by G.
Protein change: p.Lys537fs; shifts the reading frame from lysine 537.
Molecular consequence: frameshift variant. On other transcripts: non-coding transcript variant (2), intron variant (1).
Genome position (GRCh38, 1-based): chr2:232,263,391-232,263,398, AGCAGTTA replaced by G. VCF-style: chr2-232263391-AGCAGTTA-G. GRCh37 (hg19) VCF-style: chr2-233128101-AGCAGTTA-G.
Other names: c.1581+29_1581+36delinsG (NM_001257281.2); short protein forms K537fs.
Identifiers: ClinVar variation 643481 (VCV000643481.5), dbSNP rs1574980125, ClinGen allele CA915941782.
Genomic context (GRCh38, chr2:232,263,391, plus strand): 5'-CCCCAGAGCATAGCAGCGAGGAGGTACACCAGGCCGTCTTGAATCTCCACGGAATTGCCA[AGCAGTTA>G]CGCCAGCAGCGCTTTGTGGACGGCGCACTTCGTTTGGATCAGGTCAGTACGTGTTTTTTT-3'

ClinVar aggregate classification (germline): Pathogenic (1 of 4 stars; one submission).

Conditions:
Perlman syndrome (PRLMNS). Identifiers: Orphanet 2849, MedGen C0796113, MONDO:0009965, OMIM 267000.

Submission:

Labcorp Genetics (formerly Invitae), Labcorp
Classification: Pathogenic for Perlman syndrome. Last evaluated: 2023-10-13. Review status: criteria provided, single submitter. Criteria: Invitae Variant Classification Sherloc (09022015). Collection method: clinical testing. Allele origin: germline.
Comment: This sequence change creates a premature translational stop signal (p.Lys537Serfs*16) in the DIS3L2 gene. It is expected to result in an absent or disrupted protein product. Loss-of-function variants in DIS3L2 are known to be pathogenic (PMID: 22306653, 28328139). This variant is not present in population databases (gnomAD no frequency). This variant has not been reported in the literature in individuals affected with DIS3L2-related conditions. For these reasons, this variant has been classified as Pathogenic.

Literature cited by the submitters: PubMed 22306653; PubMed 28328139.